The following is an entry in ClinVar:

NM_001040142.2(SCN2A):c.4757G>A (p.Arg1586His)

Gene: SCN2A (sodium voltage-gated channel alpha subunit 2; plus strand). Cytogenetic location: 2q24.3.
Variant type: single nucleotide variant.
Coding change: c.4757G>A on transcript NM_001040142.2 (MANE Select); coding-DNA position 4757, G replaced by A.
Protein change: p.Arg1586His; replaces arginine 1586 with histidine.
Molecular consequence: missense variant.
Genome position (GRCh38, 1-based): chr2:165,386,951, G>A. VCF-style: chr2-165386951-G-A. GRCh37 (hg19) VCF-style: chr2-166243461-G-A.
Other names: c.4757G>A (NM_021007.2); c.4757G>A, p.Arg1586His (NM_001040143.2, NM_001371246.1, NM_001371247.1 and 1 more transcripts); short protein forms R1586H.
Identifiers: ClinVar variation 2924995 (VCV002924995.4), dbSNP rs1701905708, ClinGen allele CA349036743.

ClinVar aggregate classification (germline): Conflicting classifications of pathogenicity. Review status: criteria provided, conflicting classifications (1 of 4 stars). 2 submissions from 2 submitters: Likely pathogenic (1); Uncertain significance (1). Last evaluated 2025-03-27.

Conditions:
Developmental and epileptic encephalopathy, 11 (DEE11). Also called: Early infantile epileptic encephalopathy 11. Identifiers: Orphanet 1934, MedGen C3150987, MONDO:0013388, OMIM 613721.
Seizures, benign familial infantile, 3 (BFIS3). Also called: CONVULSIONS, BENIGN FAMILIAL INFANTILE, 3; Familial neonatal seizures. Identifiers: Orphanet 140927, Orphanet 306, MedGen C1843140, MONDO:0011904, OMIM 607745.

Allele frequency attached by ClinVar (database versions not stated): gnomAD exomes below 0.00001; TOPMed below 0.00001.
gnomAD v4.1: 3 of 1,613,674 alleles (0.00019%); highest among the groups gnomAD compares: Non-Finnish European, 0.00025%; no homozygotes.

Submissions (2):

Labcorp Genetics (formerly Invitae), Labcorp
Classification: Likely pathogenic for Seizures, benign familial infantile, 3; Developmental and epileptic encephalopathy, 11. Last evaluated: 2025-03-27. Review status: criteria provided, single submitter. Criteria: Invitae Variant Classification Sherloc (09022015). Collection method: clinical testing. Allele origin: germline.
Comment: This sequence change replaces arginine, which is basic and polar, with histidine, which is basic and polar, at codon 1586 of the SCN2A protein (p.Arg1586His). This variant is not present in population databases (gnomAD no frequency). This missense change has been observed in individuals with clinical features of developmental and epileptic encephalopathy (internal data). ClinVar contains an entry for this variant (Variation ID: 2924995). Invitae Evidence Modeling of protein sequence and biophysical properties (such as structural, functional, and spatial information, amino acid conservation, physicochemical variation, residue mobility, and thermodynamic stability) indicates that this missense variant is expected to disrupt SCN2A protein function with a positive predictive value of 95%. In summary, the currently available evidence indicates that the variant is pathogenic, but additional data are needed to prove that conclusively. Therefore, this variant has been classified as Likely Pathogenic.

GeneDx
Classification: Uncertain significance. Last evaluated: 2024-11-19. Review status: criteria provided, single submitter. Criteria: GeneDx Variant Classification Process June 2021. Collection method: clinical testing. Allele origin: germline. Affected: yes.
Comment: Not observed at significant frequency in large population cohorts (gnomAD); In silico analysis supports that this missense variant has a deleterious effect on protein structure/function; Has not been previously published as pathogenic or benign to our knowledge; This substitution is predicted to be within the intracellular loop between the S2 and S3 transmembrane segments of the fourth homologous domain